The following is an entry in ClinVar:

NM_003640.5(ELP1):c.2456_2459del (p.Val819fs)

Gene: ELP1 (elongator acetyltransferase complex subunit 1; minus strand). Cytogenetic location: 9q31.3.
Variant type: Deletion.
Coding change: c.2456_2459del on transcript NM_003640.5 (MANE Select); coding-DNA positions 2456 to 2459, 4 bases deleted (TCTG; older notation c.2456_2459delTCTG).
Protein change: p.Val819fs; shifts the reading frame from valine 819.
Molecular consequence: frameshift variant.
Genome position (GRCh38, 1-based): chr9:108,897,190-108,897,193, CAGA deleted on the plus strand (TCTG on the coding strand, the reverse complement: ELP1 is on the minus strand); deleting any 4 consecutive bases within chr9:108,897,190-108,897,195 gives the same sequence; the c. name uses the placement nearest the transcript's 3' end. VCF-style (leftmost placement, unchanged base first): chr9-108897189-GCAGA-G. GRCh37 (hg19) VCF-style: chr9-111659469-GCAGA-G.
Other names: c.2114_2117del, p.Val705fs (NM_001318360.2); c.1409_1412del, p.Val470fs (NM_001330749.2); short protein forms V470fs, V705fs, V819fs.
Identifiers: ClinVar variation 4067164 (VCV004067164.2).

ClinVar aggregate classification (germline): Likely pathogenic (1 of 4 stars; one submission).

Conditions:
Familial dysautonomia. Also called: FD; HSAN III. Identifiers: Orphanet 1764, MedGen C0013364, MONDO:0009131, OMIM 223900. Disease mechanism: loss of function.

Submission:

Natera, Inc.
Classification: Likely pathogenic for Familial dysautonomia. Last evaluated: 2025-05-13. Review status: criteria provided, single submitter. Criteria: Natera Variant Classification Schema (03/2026). Collection method: clinical testing. Allele origin: germline.
Comment: The c.2456_2459del variant in ELP1 is a frameshift variant predicted to shift the reading frame beginning at codon 819 and leads to a stop codon 4 codons downstream. This variant is expected to result in nonsense mediated decay, truncation, or a dysfunctional protein product. This variant is rare in the general population with a frequency below the threshold expected for the associated phenotype(s). Given the available evidence, this variant is classified as Likely Pathogenic.